The following is an entry in ClinVar:

ClinVar aggregate classification (germline): Uncertain significance. Review status: criteria provided, multiple submitters, no conflicts (2 of 4 stars). 3 submissions from 3 submitters: Uncertain significance (3). Last evaluated 2025-09-22.

Conditions:
Familial thoracic aortic aneurysm and aortic dissection (TAAD). Also called: Thoracic aortic aneurysms and dissections. Identifiers: Orphanet 91387, MedGen C4707243, MONDO:0019625.
Ehlers-Danlos syndrome, kyphoscoliotic type 1 (EDSKSCL1). Also called: PLOD1-Related Kyphoscoliotic Ehlers-Danlos Syndrome; Ehlers-Danlos syndrome, hydroxylysine-deficient; EHLERS-DANLOS SYNDROME, TYPE VIA; EHLERS-DANLOS SYNDROME, OCULAR-SCOLIOTIC TYPE. Identifiers: Orphanet 1900, MedGen C0268342, MONDO:0016002, OMIM 225400. Disease mechanism: loss of function.

Allele frequency attached by ClinVar (database versions not stated): gnomAD exomes 0.00001 and 0.00002; TOPMed 0.00001; ExAC 0.00002; ESP Exome Variant Server 0.00008.
gnomAD v4.1: 16 of 1,614,080 alleles (0.00099%); highest among the groups gnomAD compares: African/African-American, 0.004%; no homozygotes.

Submissions (3):

Ambry Genetics
Classification: Uncertain significance for Familial thoracic aortic aneurysm and aortic dissection. Last evaluated: 2025-09-22. Review status: criteria provided, single submitter. Criteria: Ambry Variant Classification Scheme 2023. Collection method: clinical testing. Allele origin: germline.

Labcorp Genetics (formerly Invitae), Labcorp
Classification: Uncertain significance for Ehlers-Danlos syndrome, kyphoscoliotic type 1. Last evaluated: 2022-03-15. Review status: criteria provided, single submitter. Criteria: Invitae Variant Classification Sherloc (09022015). Collection method: clinical testing. Allele origin: germline.
Comment: This sequence change replaces valine, which is neutral and non-polar, with methionine, which is neutral and non-polar, at codon 104 of the PLOD1 protein (p.Val104Met). This variant is present in population databases (rs141809154, gnomAD 0.007%). This variant has not been reported in the literature in individuals affected with PLOD1-related conditions. ClinVar contains an entry for this variant (Variation ID: 955784). Algorithms developed to predict the effect of missense changes on protein structure and function are either unavailable or do not agree on the potential impact of this missense change (SIFT: "Deleterious"; PolyPhen-2: "Probably Damaging"; Align-GVGD: "Class C0"). In summary, the available evidence is currently insufficient to determine the role of this variant in disease. Therefore, it has been classified as a Variant of Uncertain Significance.

Revvity Omics, Revvity
Classification: Uncertain significance for Ehlers-Danlos syndrome, kyphoscoliotic type 1. Last evaluated: 2019-07-26. Review status: criteria provided, single submitter. Criteria: ACMG Guidelines, 2015. Collection method: clinical testing. Allele origin: germline.

NM_000302.4(PLOD1):c.310G>A (p.Val104Met)

Gene: PLOD1 (procollagen-lysine,2-oxoglutarate 5-dioxygenase 1; plus strand). Cytogenetic location: 1p36.22.
Variant type: single nucleotide variant.
Coding change: c.310G>A on transcript NM_000302.4 (MANE Select); coding-DNA position 310, G replaced by A.
Protein change: p.Val104Met; replaces valine 104 with methionine.
Molecular consequence: missense variant.
Genome position (GRCh38, 1-based): chr1:11,950,364, G>A. VCF-style: chr1-11950364-G-A. GRCh37 (hg19) VCF-style: chr1-12010421-G-A.
Other names: c.451G>A, p.Val151Met (NM_001316320.2); short protein forms V104M, V151M.
Identifiers: ClinVar variation 955784 (VCV000955784.12), dbSNP rs141809154, ClinGen allele CA597872.